The following is an entry in ClinVar:

NM_001351132.2(PEX5):c.41C>T (p.Ala14Val)

Gene: PEX5 (peroxisomal biogenesis factor 5; plus strand). Cytogenetic location: 12p13.31.
Variant type: single nucleotide variant.
Coding change: c.41C>T on transcript NM_001351132.2 (MANE Select); coding-DNA position 41, C replaced by T.
Protein change: p.Ala14Val; replaces alanine 14 with valine.
Molecular consequence: missense variant.
Genome position (GRCh38, 1-based): chr12:7,190,418, C>T. VCF-style: chr12-7190418-C-T. GRCh37 (hg19) VCF-style: chr12-7343014-C-T.
Other names: c.41C>T, p.Ala14Val (NM_000319.5, NM_001131023.2, NM_001131024.2 and 22 more transcripts); short protein forms A14V.
Identifiers: ClinVar variation 849259 (VCV000849259.5), dbSNP rs768332537, ClinGen allele CA232459847.

ClinVar aggregate classification (germline): Uncertain significance (1 of 4 stars; one submission).

Conditions:
Peroxisome biogenesis disorder 2B (PBD2B). Identifiers: Orphanet 44, MedGen C3550234, MONDO:0008736, OMIM 202370.

Allele frequency attached by ClinVar (database versions not stated): gnomAD exomes below 0.00001 and 0.00001; gnomAD 0.00001; 1000 Genomes Project 30x 0.00016; 1000 Genomes Project 0.00020.
gnomAD v4.1: 2 of 1,614,188 alleles (0.00012%); highest among the groups gnomAD compares: East Asian, 0.0022%; no homozygotes.

Submission:

Labcorp Genetics (formerly Invitae), Labcorp
Classification: Uncertain significance for Peroxisome biogenesis disorder 2B. Last evaluated: 2022-10-17. Review status: criteria provided, single submitter. Criteria: Invitae Variant Classification Sherloc (09022015). Collection method: clinical testing. Allele origin: germline.
Comment: This sequence change replaces alanine, which is neutral and non-polar, with valine, which is neutral and non-polar, at codon 14 of the PEX5 protein (p.Ala14Val). This variant is present in population databases (rs768332537, gnomAD 0.003%). This variant has not been reported in the literature in individuals affected with PEX5-related conditions. ClinVar contains an entry for this variant (Variation ID: 849259). Algorithms developed to predict the effect of missense changes on protein structure and function (SIFT, PolyPhen-2, Align-GVGD) all suggest that this variant is likely to be tolerated. In summary, the available evidence is currently insufficient to determine the role of this variant in disease. Therefore, it has been classified as a Variant of Uncertain Significance.